The following is an entry in ClinVar:

NM_014832.5(TBC1D4):c.3220GAA[1] (p.Glu1075del)

Gene: TBC1D4 (TBC1 domain family member 4; minus strand). Cytogenetic location: 13q22.2.
Variant type: Microsatellite.
Coding change: c.3220GAA[1] on transcript NM_014832.5 (MANE Select); one copy of the 3-base unit GAA starting at c.3220; the reference has two copies in a row; one copy, 3 bases deleted; also written c.3223_3225del.
Protein change: p.Glu1075del; deletes glutamic acid 1075.
Molecular consequence: inframe deletion.
Genome position (GRCh38, 1-based): chr13:75,294,945-75,294,947, TTC deleted on the plus strand (GAA on the coding strand, the reverse complement: TBC1D4 is on the minus strand); deleting any 3 consecutive bases within chr13:75,294,945-75,294,950 gives the same sequence; the position shown is the placement nearest the transcript's 3' end. VCF-style (leftmost placement, unchanged base first): chr13-75294944-TTTC-T. GRCh37 (hg19) VCF-style: chr13-75869080-TTTC-T.
Other names: c.3196GAA[1], p.Glu1067del (NM_001286658.2); c.3031GAA[1], p.Glu1012del (NM_001286659.2); c.3223_3225del (NM_014832.5); short protein forms E1012del, E1067del, E1075del.
Identifiers: ClinVar variation 5005273 (VCV005005273.2).
Genomic context (GRCh38, chr13:75,294,944, plus strand): 5'-ACTGAGAGGCAAACAATGTGAGGAACCAGGGGGCAGCATAAAGACTGGGGCTGATTTCAT[TTTC>T]TTCAAGGTGATTGTAGAGATCTCTGTGATAGTCATGAAGGAGCCTGGACAGCTGGTACAT-3'

ClinVar aggregate classification (germline): Uncertain significance (1 of 4 stars; one submission).

Conditions:
Diabetes mellitus, noninsulin-dependent, 5 (T2D5). Also called: TYPE 2 DIABETES 5. Identifiers: MedGen C4015183, MONDO:0014488, OMIM 616087.

Submission:

Juno Genomics, Hangzhou Juno Genomics, Inc
Classification: Uncertain significance for Diabetes mellitus, noninsulin-dependent, 5. Review status: criteria provided, single submitter. Criteria: ACMG Guidelines, 2015. Collection method: clinical testing. Allele origin: germline.
Comment: Absent from controls (or at extremely low frequency if recessive) in Genome Aggregation Database.;Protein length changes due to in-frame deletions/insertions in a non-repeat region or stop-loss variants.